The following is an entry in ClinVar:

NM_001367943.1(TCF7L2):c.296C>T (p.Pro99Leu)

Gene: TCF7L2 (transcription factor 7 like 2; plus strand). Cytogenetic location: 10q25.2.
Variant type: single nucleotide variant.
Coding change: c.296C>T on transcript NM_001367943.1 (MANE Select); coding-DNA position 296, C replaced by T.
Protein change: p.Pro99Leu; replaces proline 99 with leucine.
Molecular consequence: missense variant.
Genome position (GRCh38, 1-based): chr10:112,951,522, C>T. VCF-style: chr10-112951522-C-T. GRCh37 (hg19) VCF-style: chr10-114711281-C-T.
Other names: c.296C>T, p.Pro99Leu (NM_001146274.2, NM_001146283.2, NM_001146284.2 and 11 more transcripts); short protein forms P99L.
Identifiers: ClinVar variation 3360973 (VCV003360973.1).

ClinVar aggregate classification (germline): Uncertain significance (1 of 4 stars; one submission).

gnomAD v4.1: 2 of 1,430,140 alleles (0.00014%); highest among the groups gnomAD compares: Admixed American, 0.0041%; no homozygotes.

Submission:

GeneDx
Classification: Uncertain significance. Last evaluated: 2023-07-09. Review status: criteria provided, single submitter. Criteria: GeneDx Variant Classification Process June 2021. Collection method: clinical testing. Allele origin: germline. Affected: yes.
Comment: In silico analysis supports that this missense variant has a deleterious effect on protein structure/function; Has not been previously published as pathogenic or benign to our knowledge